The following is an entry in ClinVar:

ClinVar aggregate classification (germline): Uncertain significance (1 of 4 stars; one submission).

Conditions:
Episodic kinesigenic dyskinesia (EKD). Also called: Paroxysmal kinesigenic dyskinesia. Identifiers: Orphanet 98809, MedGen C1868682, MONDO:0044202.

Allele frequency attached by ClinVar (database versions not stated): gnomAD exomes 0.00001; ExAC 0.00002.

Submission:

Labcorp Genetics (formerly Invitae), Labcorp
Classification: Uncertain significance for Episodic kinesigenic dyskinesia. Last evaluated: 2020-12-24. Review status: criteria provided, single submitter. Criteria: Invitae Variant Classification Sherloc (09022015). Collection method: clinical testing. Allele origin: germline.
Comment: Algorithms developed to predict the effect of missense changes on protein structure and function are either unavailable or do not agree on the potential impact of this missense change (SIFT: "Deleterious"; PolyPhen-2: "Possibly Damaging"; Align-GVGD: "Class C0"). This variant has not been reported in the literature in individuals with PRRT2-related conditions. This variant is present in population databases (rs764412207, ExAC 0.01%). This sequence change replaces glutamine with histidine at codon 36 of the PRRT2 protein (p.Gln36His). The glutamine residue is highly conserved and there is a small physicochemical difference between glutamine and histidine. In summary, the available evidence is currently insufficient to determine the role of this variant in disease. Therefore, it has been classified as a Variant of Uncertain Significance.

NM_145239.3(PRRT2):c.108G>C (p.Gln36His)

Genes: MVP-DT (MVP divergent transcript; minus strand), PRRT2 (proline rich transmembrane protein 2; plus strand). Cytogenetic location: 16p11.2.
Variant type: single nucleotide variant.
Coding change: c.108G>C on transcript NM_145239.3 (MANE Select); coding-DNA position 108, G replaced by C.
Protein change: p.Gln36His; replaces glutamine 36 with histidine.
Molecular consequence: missense variant.
Genome position (GRCh38, 1-based): chr16:29,813,162, G>C. VCF-style: chr16-29813162-G-C. GRCh37 (hg19) VCF-style: chr16-29824483-G-C.
Other names: c.108G>C, p.Gln36His (NM_001256442.2, NM_001256443.2); short protein forms Q36H.
Identifiers: ClinVar variation 1001838 (VCV001001838.9), dbSNP rs764412207, ClinGen allele CA7994474.